The following is an entry in ClinVar:

ClinVar aggregate classification (germline): Uncertain significance (1 of 4 stars; one submission).

Conditions:
KDM6B-related disorder. Also called: KDM6B-related condition.

Submission:

PreventionGenetics, part of Exact Sciences
Classification: Uncertain significance for KDM6B-related condition. Last evaluated: 2023-04-19. Review status: criteria provided, single submitter. Criteria: ACMG Guidelines, 2015. Collection method: clinical testing. Allele origin: germline.
Comment: The KDM6B c.1542_1559dup18 variant is predicted to result in an in-frame duplication (p.Ala515_Pro520dup). To our knowledge, this variant has not been reported in the literature or in a large population database, indicating this variant is rare. At this time, the clinical significance of this variant is uncertain due to the absence of conclusive functional and genetic evidence.

NM_001348716.2(KDM6B):c.1542_1559dup (p.Pro520_His521insAlaProProProLeuPro)

Gene: KDM6B (lysine demethylase 6B; plus strand). Cytogenetic location: 17p13.1.
Variant type: Duplication.
Coding change: c.1542_1559dup on transcript NM_001348716.2 (MANE Select); coding-DNA positions 1542 to 1559, 18 bases duplicated (TGCCCCACCACCCCTCCC).
Protein change: p.Pro520_His521insAlaProProProLeuPro.
Molecular consequence: inframe insertion.
Genome position (GRCh38, 1-based): chr17:7,847,830-7,847,847, TGCCCCACCACCCCTCCC duplicated; duplicating any 18 consecutive bases within chr17:7,847,827-7,847,847 gives the same sequence; the c. name uses the placement nearest the transcript's 3' end. VCF-style (leftmost placement, unchanged base first): chr17-7847826-G-GCCCTGCCCCACCACCCCT. GRCh37 (hg19) VCF-style: chr17-7751144-G-GCCCTGCCCCACCACCCCT.
Other names: c.1542_1559dup, p.Pro520_His521insAlaProProProLeuPro (NM_001080424.2).
Identifiers: ClinVar variation 2633072 (VCV002633072.1), dbSNP rs2544525232, ClinGen allele CA2635917310.